The following is an entry in ClinVar:

NM_016203.4(PRKAG2):c.1099G>A (p.Asp367Asn)

Gene: PRKAG2 (protein kinase AMP-activated non-catalytic subunit gamma 2; minus strand). Cytogenetic location: 7q36.1.
Variant type: single nucleotide variant.
Coding change: c.1099G>A on transcript NM_016203.4 (MANE Select); coding-DNA position 1099, G replaced by A.
Protein change: p.Asp367Asn; replaces aspartic acid 367 with asparagine.
Molecular consequence: missense variant.
Genome position (GRCh38, 1-based): chr7:151,570,178, C>T on the plus strand (G>A on the coding strand, the complement: PRKAG2 is on the minus strand). VCF-style: chr7-151570178-C-T. GRCh37 (hg19) VCF-style: chr7-151267264-C-T.
Other names: c.967G>A, p.Asp323Asn (NM_001040633.2, NM_001407024.1); c.724G>A, p.Asp242Asn (NM_001304527.2, NM_001407029.1); c.376G>A, p.Asp126Asn (NM_001304531.2, NM_001407034.1, NM_001407035.1 and 1 more transcripts); c.727G>A, p.Asp243Asn (NM_001363698.2, NM_001407028.1); c.1099G>A, p.Asp367Asn (NM_001407021.1); c.1096G>A, p.Asp366Asn (NM_001407022.1, NM_001407023.1); c.964G>A, p.Asp322Asn (NM_001407026.1, NM_001407027.1); c.811G>A, p.Asp271Asn (NM_001407030.1); and 6 more; short protein forms D125N, D259N, D146N, D322N, D126N, D142N, D243N, D271N.
Identifiers: ClinVar variation 2452942 (VCV002452942.2), dbSNP rs1436308773, ClinGen allele CA370071714.

ClinVar aggregate classification (germline): Uncertain significance (1 of 4 stars; one submission).

Conditions:
Cardiovascular phenotype. Identifiers: MedGen CN230736.

gnomAD v4.1: 1 of 1,599,660 alleles (0.000063%); highest among the groups gnomAD compares: Non-Finnish European, 0.000085%; no homozygotes.

Submission:

Ambry Genetics
Classification: Uncertain significance for Cardiovascular phenotype. Last evaluated: 2022-11-10. Review status: criteria provided, single submitter. Criteria: Ambry Variant Classification Scheme 2023. Collection method: clinical testing. Allele origin: germline.
Comment: The p.D367N variant (also known as c.1099G>A), located in coding exon 10 of the PRKAG2 gene, results from a G to A substitution at nucleotide position 1099. The aspartic acid at codon 367 is replaced by asparagine, an amino acid with highly similar properties. This amino acid position is conserved. In addition, this alteration is predicted to be tolerated by in silico analysis. Since supporting evidence is limited at this time, the clinical significance of this alteration remains unclear.